The following is an entry in ClinVar:

NM_001145026.2(PTPRQ):c.1295T>A (p.Val432Glu)

Gene: PTPRQ (protein tyrosine phosphatase receptor type Q; plus strand). Cytogenetic location: 12q21.31.
Variant type: single nucleotide variant.
Coding change: c.1295T>A on transcript NM_001145026.2 (MANE Select); coding-DNA position 1295, T replaced by A.
Protein change: p.Val432Glu; replaces valine 432 with glutamic acid.
Molecular consequence: missense variant.
Genome position (GRCh38, 1-based): chr12:80,484,541, T>A. VCF-style: chr12-80484541-T-A. GRCh37 (hg19) VCF-style: chr12-80878320-T-A.
Other names: c.1295T>A (NM_001145026.1); short protein forms V432E.
Identifiers: ClinVar variation 4917751 (VCV004917751.2).

ClinVar aggregate classification (germline): Uncertain significance. Review status: criteria provided, multiple submitters, no conflicts (2 of 4 stars). 2 submissions from 2 submitters: Uncertain significance (2). Last evaluated 2026-04-23.

Conditions:
PTPRQ-related disorder. Also called: PTPRQ-related condition.

gnomAD v4.1: 4 of 1,551,026 alleles (0.00026%); highest among the groups gnomAD compares: Admixed American, 0.002%; no homozygotes.

Submissions (2):

PreventionGenetics, part of Exact Sciences
Classification: Uncertain significance for PTPRQ-related condition. Last evaluated: 2026-04-23. Review status: criteria provided, single submitter. Criteria: ACMG Guidelines, 2015. Collection method: clinical testing. Allele origin: germline.
Comment: The PTPRQ c.1295T>A variant is predicted to result in the amino acid substitution p.Val432Glu. To our knowledge, this variant has not been reported in the literature or in a large population database (gnomAD), indicating this variant is rare. At this time, the clinical significance of this variant is uncertain due to the absence of conclusive functional and genetic evidence.

Blueprint Genetics
Classification: Uncertain significance. Last evaluated: 2022-06-30. Review status: criteria provided, single submitter. Criteria: ACMG Guidelines, 2015. Collection method: clinical testing. Allele origin: germline.